The following is an entry in ClinVar:

NM_004304.5(ALK):c.2782T>C (p.Cys928Arg)

Gene: ALK (ALK receptor tyrosine kinase; minus strand). Cytogenetic location: 2p23.2.
Variant type: single nucleotide variant.
Coding change: c.2782T>C on transcript NM_004304.5 (MANE Select); coding-DNA position 2782, T replaced by C.
Protein change: p.Cys928Arg; replaces cysteine 928 with arginine.
Molecular consequence: missense variant.
Genome position (GRCh38, 1-based): chr2:29,228,917, A>G on the plus strand (T>C on the coding strand, the complement: ALK is on the minus strand). VCF-style: chr2-29228917-A-G. GRCh37 (hg19) VCF-style: chr2-29451783-A-G.
Other names: c.2782T>C (NM_004304.4); short protein forms C928R.
Identifiers: ClinVar variation 1469019 (VCV001469019.10), dbSNP rs1664096277, ClinGen allele CA346469555.

ClinVar aggregate classification (germline): Uncertain significance. Review status: criteria provided, multiple submitters, no conflicts (2 of 4 stars). 3 submissions from 3 submitters: Uncertain significance (3). Last evaluated 2024-03-19.

Conditions:
Hereditary cancer-predisposing syndrome. Also called: Neoplastic Syndromes, Hereditary; Hereditary Cancer Syndrome; Tumor predisposition; Hereditary neoplastic syndrome. Identifiers: Orphanet 140162, MedGen C0027672, MeSH D009386, MONDO:0015356.
Neuroblastoma, susceptibility to, 3. Also called: ALK-Related Neuroblastic Tumor Susceptibility. Identifiers: Orphanet 635, MedGen C2751681, MONDO:0013083, OMIM 613014.

gnomAD v4.1: 7 of 1,374,974 alleles (0.00051%); highest among the groups gnomAD compares: Non-Finnish European, 0.00061%; no homozygotes.

Submissions (3):

Ambry Genetics
Classification: Uncertain significance for Hereditary cancer-predisposing syndrome. Last evaluated: 2024-03-19. Review status: criteria provided, single submitter. Criteria: Ambry Variant Classification Scheme 2023. Collection method: clinical testing. Allele origin: germline.
Comment: The p.C928R variant (also known as c.2782T>C), located in coding exon 16 of the ALK gene, results from a T to C substitution at nucleotide position 2782. The cysteine at codon 928 is replaced by arginine, an amino acid with highly dissimilar properties. This amino acid position is conserved. In addition, the in silico prediction for this alteration is inconclusive. Based on the available evidence, the clinical significance of this alteration remains unclear.

Labcorp Genetics (formerly Invitae), Labcorp
Classification: Uncertain significance for Neuroblastoma, susceptibility to, 3. Last evaluated: 2021-01-24. Review status: criteria provided, single submitter. Criteria: Invitae Variant Classification Sherloc (09022015). Collection method: clinical testing. Allele origin: germline.
Comment: In summary, the available evidence is currently insufficient to determine the role of this variant in disease. Therefore, it has been classified as a Variant of Uncertain Significance. Algorithms developed to predict the effect of missense changes on protein structure and function (SIFT, PolyPhen-2, Align-GVGD) all suggest that this variant is likely to be disruptive, but these predictions have not been confirmed by published functional studies and their clinical significance is uncertain. This variant has not been reported in the literature in individuals with ALK-related conditions. This variant is not present in population databases (ExAC no frequency). This sequence change replaces cysteine with arginine at codon 928 of the ALK protein (p.Cys928Arg). The cysteine residue is highly conserved and there is a large physicochemical difference between cysteine and arginine.

Breakthrough Genomics
Classification: Uncertain significance. Review status: criteria provided, single submitter. Criteria: ACMG Guidelines, 2015. Collection method: not provided. Allele origin: germline. Inheritance: Unknown mechanism. Affected: yes.